The following is an entry in ClinVar:

NM_001206999.2(CIT):c.1809G>A (p.Ala603=)

Gene: CIT (citron rho-interacting serine/threonine kinase; minus strand). Cytogenetic location: 12q24.23.
Variant type: single nucleotide variant.
Coding change: c.1809G>A on transcript NM_001206999.2 (MANE Select); coding-DNA position 1809, G replaced by A.
Protein change: p.Ala603=; no amino-acid change (alanine 603 retained).
Molecular consequence: synonymous variant.
Genome position (GRCh38, 1-based): chr12:119,776,699, C>T on the plus strand (G>A on the coding strand, the complement: CIT is on the minus strand). VCF-style: chr12-119776699-C-T. GRCh37 (hg19) VCF-style: chr12-120214503-C-T.
Other names: c.1809G>A, p.Ala603= (NM_007174.3).
Identifiers: ClinVar variation 3898318 (VCV003898318.8).

ClinVar aggregate classification (germline): Likely benign. Review status: criteria provided, multiple submitters, no conflicts (2 of 4 stars). 2 submissions from 2 submitters: Likely benign (2). Last evaluated 2025-07-14.

gnomAD v4.1: 20 of 1,613,666 alleles (0.0012%); highest among the groups gnomAD compares: South Asian, 0.018%; no homozygotes.

Submissions (2):

Labcorp Genetics (formerly Invitae), Labcorp
Classification: Likely benign. Last evaluated: 2025-07-14. Review status: criteria provided, single submitter. Criteria: Invitae Variant Classification Sherloc (09022015). Collection method: clinical testing. Allele origin: germline.

CeGaT Center for Human Genetics Tuebingen
Classification: Likely benign. Last evaluated: 2025-04-01. Review status: criteria provided, single submitter. Criteria: CeGaT Center For Human Genetics Tuebingen Variant Classification Criteria Version 2. Collection method: clinical testing. Allele origin: germline. Affected: yes. Observed: 1 variant allele.
Comment: CIT: BP4, BP7